The following is an entry in ClinVar:

ClinVar aggregate classification (germline): Likely benign (0 of 4 stars; one submission).

Conditions:
LAMA5-related disorder. Also called: LAMA5-Related Disorders; LAMA5-related condition.

Allele frequency attached by ClinVar (database versions not stated): TOPMed 0.00002; ExAC 0.00004; ESP Exome Variant Server 0.00008; gnomAD 0.00002.
gnomAD v4.1: 19 of 1,606,872 alleles (0.0012%); highest among the groups gnomAD compares: African/African-American, 0.012%; no homozygotes.

Submission:

PreventionGenetics, part of Exact Sciences
Classification: Likely benign for LAMA5-related condition. Last evaluated: 2019-03-14. Review status: no assertion criteria provided. Collection method: clinical testing. Allele origin: germline.
Comment: This variant is classified as likely benign based on ACMG/AMP sequence variant interpretation guidelines (Richards et al. 2015 PMID: 25741868, with internal and published modifications).

NM_005560.6(LAMA5):c.9210C>T (p.Pro3070=)

Gene: LAMA5 (laminin subunit alpha 5; minus strand). Cytogenetic location: 20q13.33.
Variant type: single nucleotide variant.
Coding change: c.9210C>T on transcript NM_005560.6 (MANE Select); coding-DNA position 9210, C replaced by T.
Protein change: p.Pro3070=; no amino-acid change (proline 3070 retained).
Molecular consequence: synonymous variant.
Genome position (GRCh38, 1-based): chr20:62,312,649, G>A on the plus strand (C>T on the coding strand, the complement: LAMA5 is on the minus strand). VCF-style: chr20-62312649-G-A. GRCh37 (hg19) VCF-style: chr20-60887705-G-A.
Identifiers: ClinVar variation 3047030 (VCV003047030.2), dbSNP rs149891319, ClinGen allele CA9940385.